The following is an entry in ClinVar:

ClinVar aggregate classification (germline): Likely benign. Review status: criteria provided, multiple submitters, no conflicts (2 of 4 stars). 2 submissions from 2 submitters: Likely benign (2). Last evaluated 2018-06-16.

Allele frequency attached by ClinVar (database versions not stated): gnomAD 0.00395 and 0.00426; TOPMed 0.00442; 1000 Genomes Project 30x 0.00468; 1000 Genomes Project 0.00499.
gnomAD v4.1: 1,252 of 1,016,382 alleles (0.12%); highest among the groups gnomAD compares: African/African-American, 1.3%; 10 homozygotes.

Submissions (2):

GeneDx
Classification: Likely benign. Last evaluated: 2018-06-16. Review status: criteria provided, single submitter. Criteria: GeneDx Variant Classification (06012015). Collection method: clinical testing. Allele origin: germline. Affected: yes.
Comment: This variant is considered likely benign or benign based on one or more of the following criteria: it is a conservative change, it occurs at a poorly conserved position in the protein, it is predicted to be benign by multiple in silico algorithms, and/or has population frequency not consistent with disease.

Breakthrough Genomics
Classification: Likely benign. Review status: criteria provided, single submitter. Criteria: ACMG Guidelines, 2015. Collection method: not provided. Allele origin: germline. Inheritance: Autosomal recessive inheritance. Affected: yes.

NM_000053.4(ATP7B):c.4021+107G>A

Gene: ATP7B (ATPase copper transporting beta; minus strand). Cytogenetic location: 13q14.3.
Variant type: single nucleotide variant.
Coding change: c.4021+107G>A on transcript NM_000053.4 (MANE Select); 107 bases into the intron after coding-DNA position 4021, G replaced by A.
Molecular consequence: intron variant.
Genome position (GRCh38, 1-based): chr13:51,937,169, C>T on the plus strand (G>A on the coding strand, the complement: ATP7B is on the minus strand). VCF-style: chr13-51937169-C-T. GRCh37 (hg19) VCF-style: chr13-52511305-C-T.
Other names: c.3688+107G>A (NM_001243182.2); c.3400+107G>A (NM_001005918.3); c.3769+107G>A (NM_001330579.2); c.3787+107G>A (NM_001330578.2).
Identifiers: ClinVar variation 678341 (VCV000678341.2), dbSNP rs144518699, ClinGen allele CA250073211.